The following is an entry in ClinVar:

ClinVar aggregate classification (germline): Uncertain significance. Review status: criteria provided, multiple submitters, no conflicts (2 of 4 stars). 5 submissions from 5 submitters: Uncertain significance (5). Last evaluated 2026-03-01.

Conditions:
Ehlers-Danlos syndrome, type 4 (EDSVASC). Also called: Ehlers-Danlos Syndrome Type IV; Ehlers-Danlos syndrome vascular type; Ehlers Danlos syndrome, ecchymotic type; Ehlers Danlos syndrome, arterial type; Ehlers Danlos syndrome, Sack-Barabas type. Identifiers: Orphanet 286, MedGen C0268338, MONDO:0017314, OMIM 130050.
Familial thoracic aortic aneurysm and aortic dissection (TAAD). Also called: Thoracic aortic aneurysms and dissections. Identifiers: Orphanet 91387, MedGen C4707243, MONDO:0019625.

Allele frequency attached by ClinVar (database versions not stated): gnomAD 0.00001; gnomAD exomes 0.00001; TOPMed 0.00002.
gnomAD v4.1: 15 of 1,613,994 alleles (0.00093%); highest among the groups gnomAD compares: East Asian, 0.0045%; no homozygotes.

Submissions (5):

CeGaT Center for Human Genetics Tuebingen
Classification: Uncertain significance. Last evaluated: 2026-03-01. Review status: criteria provided, single submitter. Criteria: CeGaT Center For Human Genetics Tuebingen Variant Classification Criteria Version 2. Collection method: clinical testing. Allele origin: germline. Affected: yes. Observed: 1 variant allele.

Color Diagnostics, LLC DBA Color Health
Classification: Uncertain significance for Familial thoracic aortic aneurysm and aortic dissection. Last evaluated: 2025-09-08. Review status: criteria provided, single submitter. Criteria: ACMG Guidelines, 2015. Collection method: clinical testing. Allele origin: germline.
Comment: This missense variant replaces arginine with histidine at codon 449 of the COL3A1 protein. Computational prediction suggests that this variant may not impact protein structure and function. To our knowledge, functional studies have not been reported for this variant. This variant has not been reported in individuals affected with COL3A1-related disorders in the literature. This variant has not been identified in the general population by the Genome Aggregation Database (gnomAD). The available evidence is insufficient to determine the role of this variant in disease conclusively. Therefore, this variant is classified as a Variant of Uncertain Significance.

Ambry Genetics
Classification: Uncertain significance for Familial thoracic aortic aneurysm and aortic dissection. Last evaluated: 2024-08-01. Review status: criteria provided, single submitter. Criteria: Ambry Variant Classification Scheme 2023. Collection method: clinical testing. Allele origin: germline.
Comment: The p.R449H variant (also known as c.1346G>A), located in coding exon 19 of the COL3A1 gene, results from a G to A substitution at nucleotide position 1346. The arginine at codon 449 is replaced by histidine, an amino acid with highly similar properties. This amino acid position is not well conserved in available vertebrate species. In addition, the in silico prediction for this alteration is inconclusive. Based on the available evidence, the clinical significance of this variant remains unclear.

Labcorp Genetics (formerly Invitae), Labcorp
Classification: Uncertain significance for Ehlers-Danlos syndrome, type 4. Last evaluated: 2023-12-31. Review status: criteria provided, single submitter. Criteria: Invitae Variant Classification Sherloc (09022015). Collection method: clinical testing. Allele origin: germline.
Comment: This sequence change replaces arginine, which is basic and polar, with histidine, which is basic and polar, at codon 449 of the COL3A1 protein (p.Arg449His). This variant is not present in population databases (gnomAD no frequency). This variant has not been reported in the literature in individuals affected with COL3A1-related conditions. ClinVar contains an entry for this variant (Variation ID: 919920). Experimental studies and prediction algorithms are not available or were not evaluated, and the functional significance of this variant is currently unknown. In summary, the available evidence is currently insufficient to determine the role of this variant in disease. Therefore, it has been classified as a Variant of Uncertain Significance.

All of Us Research Program, National Institutes of Health
Classification: Uncertain significance for Ehlers-Danlos syndrome, type 4. Last evaluated: 2023-12-18. Review status: criteria provided, single submitter. Criteria: ACMG Guidelines, 2015. Collection method: clinical testing. Allele origin: germline. Inheritance: Autosomal dominant inheritance. Observed: 2 variant alleles, 2 heterozygotes.
Comment: This missense variant replaces arginine with histidine at codon 449 of the COL3A1 protein. Computational prediction suggests that this variant may not impact protein structure and function (internally defined REVEL score threshold <= 0.5, PMID: 27666373). Splice site prediction tools suggest that this variant may not impact RNA splicing. To our knowledge, functional studies have not been performed for this variant. This variant has not been reported in individuals affected with cardiovascular disorders in the literature. This variant has not been identified in the general population by the Genome Aggregation Database (gnomAD). The available evidence is insufficient to determine the role of this variant in disease conclusively. Therefore, this variant is classified as a Variant of Uncertain Significance.

This study involves interpretation of variants in research participants for the purpose of population health screening. Participant phenotype was not available at the time of variant classification. Additional details can be found in publication PMID: 35346344, PMCID: PMC8962531

NM_000090.4(COL3A1):c.1346G>A (p.Arg449His)

Gene: COL3A1 (collagen type III alpha 1 chain; plus strand). Cytogenetic location: 2q32.2.
Variant type: single nucleotide variant.
Coding change: c.1346G>A on transcript NM_000090.4 (MANE Select); coding-DNA position 1346, G replaced by A.
Protein change: p.Arg449His; replaces arginine 449 with histidine.
Molecular consequence: missense variant.
Genome position (GRCh38, 1-based): chr2:188,994,593, G>A. VCF-style: chr2-188994593-G-A. GRCh37 (hg19) VCF-style: chr2-189859319-G-A.
Other names: short protein forms R449H.
Identifiers: ClinVar variation 919920 (VCV000919920.15), dbSNP rs888082655, ClinGen allele CA62595775.